The following is an entry in ClinVar:

ClinVar aggregate classification (germline): Uncertain significance. Review status: criteria provided, multiple submitters, no conflicts (2 of 4 stars). 2 submissions from 2 submitters: Uncertain significance (2). Last evaluated 2025-05-02.

Allele frequency attached by ClinVar (database versions not stated): TOPMed 0.00001.

Submissions (2):

Ambry Genetics
Classification: Uncertain significance. Last evaluated: 2025-05-02. Review status: criteria provided, single submitter. Criteria: Ambry Variant Classification Scheme 2023. Collection method: clinical testing. Allele origin: germline.
Comment: The p.A565D variant (also known as c.1694C>A), located in coding exon 12 of the RINT1 gene, results from a C to A substitution at nucleotide position 1694. The alanine at codon 565 is replaced by aspartic acid, an amino acid with dissimilar properties. This amino acid position is conserved. In addition, the in silico prediction for this alteration is inconclusive. Since supporting evidence is limited at this time, the clinical significance of this alteration remains unclear.

Labcorp Genetics (formerly Invitae), Labcorp
Classification: Uncertain significance. Last evaluated: 2023-09-10. Review status: criteria provided, single submitter. Criteria: Invitae Variant Classification Sherloc (09022015). Collection method: clinical testing. Allele origin: germline.
Comment: This variant is not present in population databases (gnomAD no frequency). This variant has not been reported in the literature in individuals affected with RINT1-related conditions. ClinVar contains an entry for this variant (Variation ID: 1778198). An algorithm developed to predict the effect of missense changes on protein structure and function (PolyPhen-2) suggests that this variant is likely to be disruptive. In summary, the available evidence is currently insufficient to determine the role of this variant in disease. Therefore, it has been classified as a Variant of Uncertain Significance. This sequence change replaces alanine, which is neutral and non-polar, with aspartic acid, which is acidic and polar, at codon 565 of the RINT1 protein (p.Ala565Asp).

NM_021930.6(RINT1):c.1694C>A (p.Ala565Asp)

Gene: RINT1 (RAD50 interactor 1; plus strand). Cytogenetic location: 7q22.3.
Variant type: single nucleotide variant.
Coding change: c.1694C>A on transcript NM_021930.6 (MANE Select); coding-DNA position 1694, C replaced by A.
Protein change: p.Ala565Asp; replaces alanine 565 with aspartic acid.
Molecular consequence: missense variant. On other transcripts: non-coding transcript variant (1).
Genome position (GRCh38, 1-based): chr7:105,563,755, C>A. VCF-style: chr7-105563755-C-A. GRCh37 (hg19) VCF-style: chr7-105204202-C-A.
Other names: c.1460C>A, p.Ala487Asp (NM_001346599.2); c.671C>A, p.Ala224Asp (NM_001346600.2, NM_001346603.2); c.770C>A, p.Ala257Asp (NM_001346601.2); short protein forms A257D, A487D, A565D, A224D.
Identifiers: ClinVar variation 1778198 (VCV001778198.6), dbSNP rs1791554104, ClinGen allele CA368813515.
Genomic context (GRCh38, chr7:105,563,755, plus strand): 5'-AAAAGTATGCTAATGTGTTAACATGTTTTTGCTTTCAGTTCTTTCTACAACTTCAACAGG[C>A]TGCACTGGAGGTGTTTGCAGAGAATAATACTCTGAGTAAATTGCAGCTAGGACAGCTAGC-3'
Protein context (NP_068749.3, residues 555-575): DNVFFLQLQQ[Ala565Asp]ALEVFAENNT